The following is an entry in ClinVar:

ClinVar aggregate classification (germline): Uncertain significance (1 of 4 stars; one submission).

gnomAD v4.1: 6 of 1,614,118 alleles (0.00037%); highest among the groups gnomAD compares: South Asian, 0.0011%; no homozygotes.

Submission:

GeneDx
Classification: Uncertain significance. Last evaluated: 2024-09-04. Review status: criteria provided, single submitter. Criteria: GeneDx Variant Classification Process June 2021. Collection method: clinical testing. Allele origin: germline. Affected: yes.
Comment: In silico analysis indicates that this missense variant does not alter protein structure/function; Has not been previously published as pathogenic or benign to our knowledge

NM_001429.4(EP300):c.3476G>A (p.Ser1159Asn)

Gene: EP300 (E1A binding protein p300; plus strand). Cytogenetic location: 22q13.2.
Variant type: single nucleotide variant.
Coding change: c.3476G>A on transcript NM_001429.4 (MANE Select); coding-DNA position 3476, G replaced by A.
Protein change: p.Ser1159Asn; replaces serine 1159 with asparagine.
Molecular consequence: missense variant.
Genome position (GRCh38, 1-based): chr22:41,157,383, G>A. VCF-style: chr22-41157383-G-A. GRCh37 (hg19) VCF-style: chr22-41553387-G-A.
Other names: c.3398G>A, p.Ser1133Asn (NM_001362843.2); short protein forms S1133N, S1159N.
Identifiers: ClinVar variation 3767829 (VCV003767829.1).